The following is an entry in ClinVar:

ClinVar aggregate classification (germline): Likely benign. Review status: criteria provided, single submitter (1 of 4 stars). 2 submissions from 2 submitters: Likely benign (1). 1 of the submissions does not count toward it. Last evaluated 2025-11-18.

Conditions:
CC2D2A-related disorder. Also called: CC2D2A-related disorders; CC2D2A-related condition. Identifiers: MedGen CN239313.
Joubert syndrome. Also called: JOUBERT-BOLTSHAUSER SYNDROME; Familial aplasia of the vermis. Identifiers: Orphanet 475, MedGen C5979921, MONDO:0018772.
Meckel-Gruber syndrome. Also called: DYSENCEPHALIA SPLANCHNOCYSTICA; GRUBER SYNDROME; Dysencephalia splachnocystica. Identifiers: Orphanet 564, MedGen C0265215, MONDO:0018921.

Allele frequency attached by ClinVar (database versions not stated): ExAC 0.00002.
gnomAD v4.1: 8 of 1,376,720 alleles (0.00058%); highest among the groups gnomAD compares: Middle Eastern, 0.018%; no homozygotes.

Submissions (2):

Labcorp Genetics (formerly Invitae), Labcorp
Classification: Likely benign for Joubert syndrome; Meckel-Gruber syndrome. Last evaluated: 2025-11-18. Review status: criteria provided, single submitter. Criteria: Invitae Variant Classification Sherloc (09022015). Collection method: clinical testing. Allele origin: germline.

PreventionGenetics, part of Exact Sciences
Classification: Likely benign for CC2D2A-related condition. Last evaluated: 2023-04-24. Review status: no assertion criteria provided. Collection method: clinical testing. Allele origin: germline. Not counted in ClinVar's aggregate classification.
Comment: This variant is classified as likely benign based on ACMG/AMP sequence variant interpretation guidelines (Richards et al. 2015 PMID: 25741868, with internal and published modifications).

NM_001378615.1(CC2D2A):c.2923-10C>A

Genes: CC2D2A (coiled-coil and C2 domain containing 2A; plus strand), FBXL5 (F-box and leucine rich repeat protein 5; minus strand). Cytogenetic location: 4p15.32.
Variant type: single nucleotide variant.
Coding change: c.2923-10C>A on transcript NM_001378615.1 (MANE Select); 10 bases into the intron before coding-DNA position 2923, C replaced by A.
Molecular consequence: intron variant.
Genome position (GRCh38, 1-based): chr4:15,560,521, C>A. VCF-style: chr4-15560521-C-A. GRCh37 (hg19) VCF-style: chr4-15562144-C-A.
Other names: c.2923-10C>A (NM_001080522.2); c.2776-10C>A (NM_001378617.1).
Identifiers: ClinVar variation 2178075 (VCV002178075.6), dbSNP rs765343232, ClinGen allele CA2864037.